The following is an entry in ClinVar:

ClinVar aggregate classification (germline): Likely benign. Review status: criteria provided, single submitter (1 of 4 stars). 5 submissions from 5 submitters: Likely benign (1). 4 of the submissions do not count toward it. Last evaluated 2024-11-08.

Conditions:
TBX1-related disorder. Also called: TBX1-Related Disorders; TBX1-related condition.

Allele frequency attached by ClinVar (database versions not stated): 1000 Genomes Project 0.00020; gnomAD exomes 0.00022 and 0.00040; ESP Exome Variant Server 0.00023; 1000 Genomes Project 30x 0.00016; TOPMed 0.00019; gnomAD 0.00022 and 0.00023; ExAC 0.00027.
gnomAD v4.1: 616 of 1,614,246 alleles (0.038%); highest among the groups gnomAD compares: Non-Finnish European, 0.048%; no homozygotes.

Submissions (5):

Blueprint Genetics
Classification: Likely benign. Last evaluated: 2024-11-08. Review status: criteria provided, single submitter. Criteria: ACMG Guidelines, 2015. Collection method: clinical testing. Allele origin: germline.

PreventionGenetics, part of Exact Sciences
Classification: Likely benign for TBX1-related condition. Last evaluated: 2024-01-24. Review status: no assertion criteria provided. Collection method: clinical testing. Allele origin: germline. Not counted in ClinVar's aggregate classification.
Comment: This variant is classified as likely benign based on ACMG/AMP sequence variant interpretation guidelines (Richards et al. 2015 PMID: 25741868, with internal and published modifications).

Clinical Genetics DNA and cytogenetics Diagnostics Lab, Erasmus MC, Erasmus Medical Center
Classification: Likely benign. Review status: no assertion criteria provided. Collection method: clinical testing. Allele origin: germline. Affected: yes. Study: VKGL Data-share Consensus. Not counted in ClinVar's aggregate classification.

Genome Diagnostics Laboratory, University Medical Center Utrecht
Classification: Likely benign. Review status: no assertion criteria provided. Collection method: clinical testing. Allele origin: germline. Affected: yes. Study: VKGL Data-share Consensus. Not counted in ClinVar's aggregate classification.

Joint Genome Diagnostic Labs from Nijmegen and Maastricht, Radboudumc and MUMC+
Classification: Likely benign. Review status: no assertion criteria provided. Collection method: clinical testing. Allele origin: germline. Affected: yes. Study: VKGL Data-share Consensus. Not counted in ClinVar's aggregate classification.

NM_080646.2(TBX1):c.1095A>G (p.Ala365=)

Gene: TBX1 (T-box transcription factor 1; plus strand). Cytogenetic location: 22q11.21.
Variant type: single nucleotide variant.
Coding change: c.1095A>G on transcript NM_080646.2; coding-DNA position 1095, A replaced by G.
Protein change: p.Ala365=; no amino-acid change (alanine 365 retained).
Molecular consequence: synonymous variant. On other transcripts: intron variant (1).
Genome position (GRCh38, 1-based): chr22:19,779,305, A>G. VCF-style: chr22-19779305-A-G. GRCh37 (hg19) VCF-style: chr22-19766828-A-G.
Other names: c.1010-3608A>G (NM_005992.1).
Identifiers: ClinVar variation 1285041 (VCV001285041.9), dbSNP rs147647675, ClinGen allele CA10102828.